The following is an entry in ClinVar:

NM_000169.3(GLA):c.704C>G (p.Ser235Cys)

Genes: GLA (galactosidase alpha; minus strand), RPL36A-HNRNPH2 (RPL36A-HNRNPH2 readthrough; plus strand). Cytogenetic location: Xq22.1.
Variant type: single nucleotide variant.
Coding change: c.704C>G on transcript NM_000169.3 (MANE Select); coding-DNA position 704, C replaced by G.
Protein change: p.Ser235Cys; replaces serine 235 with cysteine.
Molecular consequence: missense variant. On other transcripts: non-coding transcript variant (3), intron variant (2).
Genome position (GRCh38, 1-based): chrX:101,398,882, G>C on the plus strand (C>G on the coding strand, the complement: GLA is on the minus strand). VCF-style: chrX-101398882-G-C. GRCh37 (hg19) VCF-style: chrX-100653870-G-C.
Other names: c.827C>G, p.Ser276Cys (NM_001406747.1); c.704C>G, p.Ser235Cys (NM_001406748.1); c.300+3425G>C (NM_001199973.2); c.177+7060G>C (NM_001199974.2); short protein forms S235C, S276C.
Identifiers: ClinVar variation 197637 (VCV000197637.13), dbSNP rs797044746, ClinGen allele CA021984.
Genomic context (GRCh38, chrX:101,398,882, plus strand): 5'-TCAACAATTCTCTCCTGGTTAAAAGATGTCCAGTCCAAGATACTCTTTATACTTTTCCAG[G>C]AATCATCAATGTCAGCAAAATTTCGCCAGTGATTGCAGTACTGTCGGATTTCTGTATAAT-3'
Protein context (NP_000160.1, residues 225-245): HWRNFADIDD[Ser235Cys]WKSIKSILDW

ClinVar aggregate classification (germline): Pathogenic/Likely pathogenic. Review status: criteria provided, multiple submitters, no conflicts (2 of 4 stars). 6 submissions from 6 submitters: Pathogenic (2); Likely pathogenic (4). Last evaluated 2026-09-08.

Conditions:
Cardiovascular phenotype. Identifiers: MedGen CN230736.
Fabry disease. Also called: Ceramide trihexosidosis; Angiokeratoma corporis diffusum; ALPHA-GALACTOSIDASE A DEFICIENCY; ANDERSON-FABRY DISEASE; Fabry's disease; CERAMIDE TRIHEXOSIDASE DEFICIENCY. Identifiers: Orphanet 324, MedGen C0002986, MONDO:0010526, OMIM 301500, HP:0001071. Disease mechanism: Fabry disease is due to inactivating mutations in the X-linked GLA gene resulting in deficiency of the enzyme Alpha Galactosidase-A., loss of function.

Submissions (6):

Genomenon, Inc
Classification: Pathogenic for Fabry disease. Last evaluated: 2026-09-08. Review status: criteria provided, single submitter. Criteria: Genomenon Sequence Variant Interpretation Standards - Updated. Collection method: curation. Allele origin: germline. Affected: yes.
Comment: GLA p.Ser235Cys (c.704C>G) is a missense variant that changes the amino acid at codon 235 from Serine to Cysteine. This variant has been observed in at least one proband with clinical features consistent with Fabry disease (PMID:33807900;33915609;10666480). At least one functional study has demonstrated a substantial alteration in protein function relative to the wild-type (PMID:21598360;27657681). This variant is located in a mutational hotspot and/or important functional domain. It is absent or not present at a significant frequency in gnomAD. In silico models predict that this variant is possibly or probably damaging. In conclusion, we classify GLA p.Ser235Cys (c.704C>G) as a pathogenic variant.

Women's Health and Genetics/Laboratory Corporation of America, LabCorp
Classification: Likely pathogenic for Fabry disease. Last evaluated: 2025-04-17. Review status: criteria provided, single submitter. Criteria: LabCorp Variant Classification Summary - May 2015. Collection method: clinical testing. Allele origin: germline.
Comment: Variant summary: GLA c.704C>G (p.Ser235Cys) results in a non-conservative amino acid change in the encoded protein sequence. Five of five in-silico tools predict a damaging effect of the variant on protein function. The variant was absent in 183490 control chromosomes. c.704C>G has been observed in individual(s) affected with Fabry Disease (example:Topaloglu_1999, Benjamin_2009, Saito_2013). These data indicate that the variant may be associated with disease. At least one publication reported an in vitro study that this variant results in absent baseline enzyme activity in transfected HEK293 cells (Wu_HM_2011). The following publications have been ascertained in the context of this evaluation (PMID: 19387866, 33915609, 20139917, 10666480, 21598360). ClinVar contains an entry for this variant (Variation ID: 197637). Based on the evidence outlined above, the variant was classified as likely pathogenic.

Labcorp Genetics (formerly Invitae), Labcorp
Classification: Likely pathogenic for Fabry disease. Last evaluated: 2025-04-11. Review status: criteria provided, single submitter. Criteria: Invitae Variant Classification Sherloc (09022015). Collection method: clinical testing. Allele origin: germline.
Comment: This sequence change replaces serine, which is neutral and polar, with cysteine, which is neutral and slightly polar, at codon 235 of the GLA protein (p.Ser235Cys). This variant is not present in population databases (gnomAD no frequency). This missense change has been observed in individual(s) with Fabry disease (PMID: 10666480; internal data). ClinVar contains an entry for this variant (Variation ID: 197637). Invitae Evidence Modeling of protein sequence and biophysical properties (such as structural, functional, and spatial information, amino acid conservation, physicochemical variation, residue mobility, and thermodynamic stability) indicates that this missense variant is not expected to disrupt GLA protein function with a negative predictive value of 80%. Experimental studies have shown that this missense change affects GLA function (PMID: 21598360). This variant disrupts the Ser235 amino acid residue in GLA. Other variant(s) that disrupt this residue have been observed in individuals with GLA-related conditions (PMID: 10666480, 18205205, 28728877), which suggests that this may be a clinically significant amino acid residue. In summary, the currently available evidence indicates that the variant is pathogenic, but additional data are needed to prove that conclusively. Therefore, this variant has been classified as Likely Pathogenic.

Revvity Omics, Revvity
Classification: Likely pathogenic. Last evaluated: 2024-04-03. Review status: criteria provided, single submitter. Criteria: ACMG Guidelines, 2015. Collection method: clinical testing. Allele origin: germline.

Ambry Genetics
Classification: Likely pathogenic for Cardiovascular phenotype. Last evaluated: 2020-05-20. Review status: criteria provided, single submitter. Criteria: Ambry Variant Classification Scheme 2023. Collection method: clinical testing. Allele origin: germline.
Comment: The p.S235C variant (also known as c.704C>G), located in coding exon 5 of the GLA gene, results from a C to G substitution at nucleotide position 704. The serine at codon 235 is replaced by cysteine, an amino acid with dissimilar properties. This variant has been detected in an individual reported to have classic Fabry disease phenotype with low alpha-galactosidase A enzyme activity (Topaloglu AK et al. Mol. Med., 1999 Dec;5:806-11), and in an individual with late-onset phenotype with reduced enzyme activity in patient-derived cell lines; however, reports may overlap (Benjamin ER et al. J. Inherit. Metab. Dis., 2009 Jun;32:424-40). In addition, an in vitro study indicated this variant to result in absent baseline enzyme activity in transfected HEK293 cells (Wu X et al. Hum. Mutat., 2011 Aug;32:965-77). This variant was not reported in population-based cohorts in the Genome Aggregation Database (gnomAD). This amino acid position is well conserved in available vertebrate species. In addition, this alteration is predicted to be deleterious by in silico analysis. Based on the majority of available evidence to date, this variant is likely to be pathogenic.

Eurofins Ntd Llc (ga)
Classification: Pathogenic. Last evaluated: 2018-04-17. Review status: criteria provided, single submitter. Criteria: EGL ClinVar v180209 classification definitions. Collection method: clinical testing. Allele origin: germline. Observed: 4 variant alleles, 4 heterozygotes.

Literature cited by the submitters: PubMed 33807900 (cited by Genomenon, Inc); PubMed 33915609 (cited by Genomenon, Inc and Women's Health and Genetics/Laboratory Corporation of America, LabCorp); PubMed 10666480 (cited by 5 submitters); PubMed 21598360 (cited by 5 submitters); PubMed 27657681 (cited by Genomenon, Inc); PubMed 19387866 (cited by Women's Health and Genetics/Laboratory Corporation of America, LabCorp and Ambry Genetics); PubMed 20139917 (cited by Women's Health and Genetics/Laboratory Corporation of America, LabCorp); PubMed 18205205 (cited by Labcorp Genetics (formerly Invitae), Labcorp); PubMed 28728877 (cited by Labcorp Genetics (formerly Invitae), Labcorp); PubMed 15924232 (cited by Ambry Genetics); PubMed 20629180 (cited by Ambry Genetics); PubMed 21138548 (cited by Ambry Genetics); PubMed 22241068 (cited by Ambry Genetics); PubMed 24386359 (cited by Ambry Genetics); PubMed 25382311 (cited by Ambry Genetics).